The following is an entry in ClinVar:

ClinVar aggregate classification (germline): Benign/Likely benign. Review status: criteria provided, multiple submitters, no conflicts (2 of 4 stars). 4 submissions from 4 submitters: Benign (1); Likely benign (3). Last evaluated 2026-06-25.

Conditions:
Hereditary cancer-predisposing syndrome. Also called: Neoplastic Syndromes, Hereditary; Tumor predisposition; Hereditary Cancer Syndrome; Hereditary neoplastic syndrome. Identifiers: Orphanet 140162, MedGen C0027672, MeSH D009386, MONDO:0015356.
Retinoblastoma (RB1). Also called: RETINOBLASTOMA, SOMATIC. Identifiers: Orphanet 790, MedGen C0035335, MeSH D012175, MONDO:0008380, OMIM 180200, HP:0009919. Disease mechanism: loss of function. Inheritance: Both sporadic and heritable forms are tested..

Allele frequency attached by ClinVar (database versions not stated): gnomAD 0.00002; gnomAD exomes below 0.00001; TOPMed 0.00002; ExAC 0.00001.
gnomAD v4.1: 6 of 1,608,660 alleles (0.00037%); highest among the groups gnomAD compares: African/African-American, 0.0053%; no homozygotes.

Submissions (4):

Myriad Genetics, Inc.
Classification: Benign for Retinoblastoma. Last evaluated: 2026-06-25. Review status: criteria provided, single submitter. Criteria: Myriad Autosomal Dominant, Autosomal Recessive and X-Linked Classification Criteria (2023). Collection method: clinical testing. Allele origin: unknown.
Comment: This variant is considered benign. This variant is a silent/synonymous amino acid change and it is not expected to impact splicing.

Labcorp Genetics (formerly Invitae), Labcorp
Classification: Likely benign for Retinoblastoma. Last evaluated: 2025-04-07. Review status: criteria provided, single submitter. Criteria: Invitae Variant Classification Sherloc (09022015). Collection method: clinical testing. Allele origin: germline.

All of Us Research Program, National Institutes of Health
Classification: Likely benign for Retinoblastoma. Last evaluated: 2024-07-23. Review status: criteria provided, single submitter. Criteria: ACMG Guidelines, 2015. Collection method: clinical testing. Allele origin: germline. Inheritance: Autosomal dominant inheritance. Observed: 1 variant allele, 1 heterozygote.
Comment: This study involves interpretation of variants in research participants for the purpose of population health screening. Participant phenotype was not available at the time of variant classification. Additional details can be found in publication PMID: 35346344, PMCID: PMC8962531

Ambry Genetics
Classification: Likely benign for Hereditary cancer-predisposing syndrome. Last evaluated: 2021-12-02. Review status: criteria provided, single submitter. Criteria: Ambry Variant Classification Scheme 2023. Collection method: clinical testing. Allele origin: germline.

NM_000321.3(RB1):c.2670T>C (p.His890=)

Gene: RB1 (RB transcriptional corepressor 1; plus strand). Cytogenetic location: 13q14.2.
Variant type: single nucleotide variant.
Coding change: c.2670T>C on transcript NM_000321.3 (MANE Select); coding-DNA position 2670, T replaced by C.
Protein change: p.His890=; no amino-acid change (histidine 890 retained).
Molecular consequence: synonymous variant.
Genome position (GRCh38, 1-based): chr13:48,477,361, T>C. VCF-style: chr13-48477361-T-C. GRCh37 (hg19) VCF-style: chr13-49051497-T-C.
Identifiers: ClinVar variation 1609658 (VCV001609658.12), dbSNP rs758547395, ClinGen allele CA036975.